The following is an entry in ClinVar:

ClinVar aggregate classification (germline): Benign/Likely benign. Review status: criteria provided, multiple submitters, no conflicts (2 of 4 stars). 6 submissions from 6 submitters: Benign (1); Likely benign (5). Last evaluated 2026-01-20.

Conditions:
Deficiency of ferroxidase (ACEP). Also called: Ceruloplasmin deficiency; Familial apoceruloplasmin deficiency; Hereditary ceruloplasmin deficiency; NEURODEGENERATION WITH BRAIN IRON ACCUMULATION 10; Aceruloplasminemia; Deficiency of ceruloplasmin. Identifiers: Orphanet 48818, MedGen C0878682, MONDO:0011426, OMIM 604290, HP:0025498.

Allele frequency attached by ClinVar (database versions not stated): ESP Exome Variant Server 0.00015; gnomAD 0.00029 and 0.00042; TOPMed 0.00049; ExAC 0.00082; 1000 Genomes Project 0.00180; 1000 Genomes Project 30x 0.00187.
gnomAD v4.1: 556 of 1,613,694 alleles (0.034%); highest among the groups gnomAD compares: East Asian, 0.92%; 2 homozygotes.

Submissions (6):

Labcorp Genetics (formerly Invitae), Labcorp
Classification: Benign for Deficiency of ferroxidase. Last evaluated: 2026-01-20. Review status: criteria provided, single submitter. Criteria: Invitae Variant Classification Sherloc (09022015). Collection method: clinical testing. Allele origin: germline.

Mayo Clinic Laboratories, Mayo Clinic
Classification: Likely benign. Last evaluated: 2025-08-26. Review status: criteria provided, single submitter. Criteria: ACMG Guidelines, 2015. Collection method: clinical testing. Allele origin: germline. Observed: 1 variant allele.
Comment: BS1, BP4, BP7

Blueprint Genetics
Classification: Likely benign. Last evaluated: 2024-05-24. Review status: criteria provided, single submitter. Criteria: ACMG Guidelines, 2015. Collection method: clinical testing. Allele origin: germline.

CeGaT Center for Human Genetics Tuebingen
Classification: Likely benign. Last evaluated: 2024-03-01. Review status: criteria provided, single submitter. Criteria: CeGaT Center For Human Genetics Tuebingen Variant Classification Criteria Version 2. Collection method: clinical testing. Allele origin: germline. Affected: yes. Observed: 2 variant alleles.
Comment: CP: BP4, BP7

Illumina Laboratory Services, Illumina
Classification: Likely benign for Deficiency of ferroxidase. Last evaluated: 2018-01-13. Review status: criteria provided, single submitter. Criteria: ICSL Variant Classification Criteria 13 December 2019. Collection method: clinical testing. Allele origin: germline.
Comment: This variant was observed in the ICSL laboratory as part of a predisposition screen in an ostensibly healthy population. It had not been previously curated by ICSL or reported in the Human Gene Mutation Database (HGMD: prior to June 1st, 2018), and was therefore a candidate for classification through an automated scoring system. Utilizing variant allele frequency, disease prevalence and penetrance estimates, and inheritance mode, an automated score was calculated to assess if this variant is too frequent to cause the disease. Based on the score and internal cut-off values, a variant classified as likely benign is not then subjected to further curation. The score for this variant resulted in a classification of likely benign for this disease.

Breakthrough Genomics
Classification: Likely benign. Review status: criteria provided, single submitter. Criteria: ACMG Guidelines, 2015. Collection method: not provided. Allele origin: germline. Inheritance: Autosomal recessive inheritance. Affected: yes.

NM_000096.4(CP):c.2997C>T (p.His999=)

Gene: CP (ceruloplasmin; minus strand). Cytogenetic location: 3q24.
Variant type: single nucleotide variant.
Coding change: c.2997C>T on transcript NM_000096.4 (MANE Select); coding-DNA position 2997, C replaced by T.
Protein change: p.His999=; no amino-acid change (histidine 999 retained).
Molecular consequence: synonymous variant. On other transcripts: non-coding transcript variant (1).
Genome position (GRCh38, 1-based): chr3:149,177,861, G>A on the plus strand (C>T on the coding strand, the complement: CP is on the minus strand). VCF-style: chr3-149177861-G-A. GRCh37 (hg19) VCF-style: chr3-148895648-G-A.
Other names: p.His999=.
Identifiers: ClinVar variation 766908 (VCV000766908.41), dbSNP rs147475926, ClinGen allele CA2660587.